The following is an entry in ClinVar:

NM_004082.5(DCTN1):c.2738A>G (p.Asp913Gly)

Gene: DCTN1 (dynactin subunit 1; minus strand). Cytogenetic location: 2p13.1.
Variant type: single nucleotide variant.
Coding change: c.2738A>G on transcript NM_004082.5 (MANE Select); coding-DNA position 2738, A replaced by G.
Protein change: p.Asp913Gly; replaces aspartic acid 913 with glycine.
Molecular consequence: missense variant. On other transcripts: non-coding transcript variant (1).
Genome position (GRCh38, 1-based): chr2:74,366,266, T>C on the plus strand (A>G on the coding strand, the complement: DCTN1 is on the minus strand). VCF-style: chr2-74366266-T-C. GRCh37 (hg19) VCF-style: chr2-74593393-T-C.
Other names: c.2678A>G, p.Asp893Gly (NM_001135040.3); c.2336A>G, p.Asp779Gly (NM_001135041.3, NM_023019.4); c.2627A>G, p.Asp876Gly (NM_001190836.2); c.2717A>G, p.Asp906Gly (NM_001190837.2); c.2687A>G, p.Asp896Gly (NM_001378991.1); c.2669A>G, p.Asp890Gly (NM_001378992.1); short protein forms D896G, D906G, D779G, D890G, D876G, D893G, D913G.
Identifiers: ClinVar variation 2942847 (VCV002942847.3), dbSNP rs2529111878, ClinGen allele CA347343184.
Genomic context (GRCh38, chr2:74,366,266, plus strand): 5'-CAGGCCTCTGCAACTTCTCCAAGGAAATCTCCACCTACCTTGCTGGGGGGCCGCTCTGCA[T>C]CATACTCCCCCTCCTGCATGGCTGTGGCCAGCTTGTTCATGGTACTGATGAGGATGTTGC-3'
Protein context (NP_004073.2, residues 903-923): LATAMQEGEY[Asp913Gly]AERPPSKPPP

ClinVar aggregate classification (germline): Uncertain significance (1 of 4 stars; one submission).

Conditions:
Amyotrophic lateral sclerosis type 1 (ALS1). Also called: AMYOTROPHIC LATERAL SCLEROSIS 1, FAMILIAL. Identifiers: Orphanet 803, MedGen C1862939, MONDO:0007103, OMIM 105400.
Neuronopathy, distal hereditary motor, type 7B. Also called: HMN VIIB; LOWER MOTOR NEURON DISEASE, DYNACTIN TYPE; NEURONOPATHY, DISTAL HEREDITARY MOTOR, AUTOSOMAL DOMINANT 14; NEURONOPATHY, DISTAL HEREDITARY MOTOR, HARDING TYPE VIIB; NEUROPATHY, DISTAL HEREDITARY MOTOR, HARDING TYPE VIIB; NEUROPATHY, DISTAL HEREDITARY MOTOR, WITH VOCAL CORD PARALYSIS, HARDING TYPE VIIB. Identifiers: Orphanet 139589, MedGen C1843315, MONDO:0011879, OMIM 607641.
Perry syndrome. Also called: PARKINSONISM WITH ALVEOLAR HYPOVENTILATION AND MENTAL DEPRESSION. Identifiers: Orphanet 178509, MedGen C1868594, MONDO:0008201, OMIM 168605.

Submission:

Labcorp Genetics (formerly Invitae), Labcorp
Classification: Uncertain significance for Amyotrophic lateral sclerosis type 1; Neuronopathy, distal hereditary motor, type 7B; Perry syndrome. Last evaluated: 2023-01-10. Review status: criteria provided, single submitter. Criteria: Invitae Variant Classification Sherloc (09022015). Collection method: clinical testing. Allele origin: germline.
Comment: In summary, the available evidence is currently insufficient to determine the role of this variant in disease. Therefore, it has been classified as a Variant of Uncertain Significance. Advanced modeling of protein sequence and biophysical properties (such as structural, functional, and spatial information, amino acid conservation, physicochemical variation, residue mobility, and thermodynamic stability) performed at Invitae indicates that this missense variant is expected to disrupt DCTN1 protein function. This variant has not been reported in the literature in individuals affected with DCTN1-related conditions. This variant is not present in population databases (gnomAD no frequency). This sequence change replaces aspartic acid, which is acidic and polar, with glycine, which is neutral and non-polar, at codon 913 of the DCTN1 protein (p.Asp913Gly).